The following is an entry in ClinVar:

NM_020738.4(KIDINS220):c.4269A>G (p.Ser1423=)

Gene: KIDINS220 (kinase D interacting substrate 220; minus strand). Cytogenetic location: 2p25.1.
Variant type: single nucleotide variant.
Coding change: c.4269A>G on transcript NM_020738.4 (MANE Select); coding-DNA position 4269, A replaced by G.
Protein change: p.Ser1423=; no amino-acid change (serine 1423 retained).
Molecular consequence: synonymous variant. On other transcripts: intron variant (6).
Genome position (GRCh38, 1-based): chr2:8,731,767, T>C on the plus strand (A>G on the coding strand, the complement: KIDINS220 is on the minus strand). VCF-style: chr2-8731767-T-C. GRCh37 (hg19) VCF-style: chr2-8871897-T-C.
Other names: c.4269A>G (NM_020738.2); c.4272A>G, p.Ser1424= (NM_001348729.2); c.4215A>G, p.Ser1405= (NM_001348731.2); c.4212A>G, p.Ser1404= (NM_001348732.2); c.4101A>G, p.Ser1367= (NM_001348734.2); c.4098A>G, p.Ser1366= (NM_001348735.2); c.3972A>G, p.Ser1324= (NM_001348736.2); c.3882+1677A>G (NM_001348741.2, NM_001348742.2, NM_001348743.2); and 2 more.
Identifiers: ClinVar variation 2174628 (VCV002174628.6), dbSNP rs375458262, ClinGen allele CA1519393.

ClinVar aggregate classification (germline): Likely benign. Review status: criteria provided, single submitter (1 of 4 stars). 2 submissions from 2 submitters: Likely benign (1). 1 of the submissions does not count toward it. Last evaluated 2025-12-26.

Conditions:
KIDINS220-related disorder. Also called: KIDINS220-related condition.

Allele frequency attached by ClinVar (database versions not stated): gnomAD exomes 0.00001; ExAC 0.00002; ESP Exome Variant Server 0.00008; gnomAD 0.00013; TOPMed 0.00017.
gnomAD v4.1: 38 of 1,614,142 alleles (0.0024%); highest among the groups gnomAD compares: African/African-American, 0.035%; no homozygotes.

Submissions (2):

Labcorp Genetics (formerly Invitae), Labcorp
Classification: Likely benign. Last evaluated: 2025-12-26. Review status: criteria provided, single submitter. Criteria: Invitae Variant Classification Sherloc (09022015). Collection method: clinical testing. Allele origin: germline.

PreventionGenetics, part of Exact Sciences
Classification: Likely benign for KIDINS220-related condition. Last evaluated: 2021-10-15. Review status: no assertion criteria provided. Collection method: clinical testing. Allele origin: germline. Not counted in ClinVar's aggregate classification.
Comment: This variant is classified as likely benign based on ACMG/AMP sequence variant interpretation guidelines (Richards et al. 2015 PMID: 25741868, with internal and published modifications).